The following is an entry in ClinVar:

ClinVar aggregate classification (germline): Pathogenic. Review status: criteria provided, multiple submitters, no conflicts (2 of 4 stars). 6 submissions from 6 submitters: Pathogenic (4). 2 of the submissions do not count toward it. Last evaluated 2025-12-16.

Conditions:
Fanconi anemia (FA). Also called: Fanconi's anemia. Identifiers: Orphanet 84, MedGen C0015625, MeSH D005199, MONDO:0019391.
Fanconi anemia complementation group A (FANCA). Also called: FANCA-Related Fanconi Anemia; Fanconi anemia, group A. Identifiers: Orphanet 84, MedGen C3469521, MONDO:0009215, OMIM 227650.

Allele frequency attached by ClinVar (database versions not stated): gnomAD exomes below 0.00001; TOPMed below 0.00001.

Submissions (6):

Natera, Inc.
Classification: Pathogenic for Fanconi anemia. Last evaluated: 2025-12-16. Review status: criteria provided, single submitter. Criteria: Natera Variant Classification Schema (03/2026). Collection method: clinical testing. Allele origin: germline.
Comment: The c.2172dupG variant in FANCA is a frameshift variant predicted to shift the reading frame beginning at codon 725 and leads to a stop codon 69 codons downstream. This variant is expected to result in nonsense mediated decay, truncation, or a dysfunctional protein product. This variant is rare in the general population with a frequency below the threshold expected for the associated phenotype(s). This variant has been observed in one or more individuals affected with the associated recessive disease, as either homozygous or compound heterozygous with a second variant (PMID: 11091222). Given the available evidence, this variant is classified as Pathogenic.

Baylor Genetics
Classification: Pathogenic for Fanconi anemia complementation group A. Last evaluated: 2024-02-05. Review status: criteria provided, single submitter. Criteria: ACMG Guidelines, 2015. Collection method: clinical testing. Allele origin: unknown.

Labcorp Genetics (formerly Invitae), Labcorp
Classification: Pathogenic for Fanconi anemia. Last evaluated: 2023-06-09. Review status: criteria provided, single submitter. Criteria: Invitae Variant Classification Sherloc (09022015). Collection method: clinical testing. Allele origin: germline.
Comment: For these reasons, this variant has been classified as Pathogenic. ClinVar contains an entry for this variant (Variation ID: 554995). This premature translational stop signal has been observed in individual(s) with Fanconi anemia (PMID: 11091222). This variant is not present in population databases (gnomAD no frequency). This sequence change creates a premature translational stop signal (p.Ser725Valfs*69) in the FANCA gene. It is expected to result in an absent or disrupted protein product. Loss-of-function variants in FANCA are known to be pathogenic (PMID: 19367192).

Fulgent Genetics
Classification: Pathogenic for Fanconi anemia complementation group A. Last evaluated: 2021-08-17. Review status: criteria provided, single submitter. Criteria: ACMG Guidelines, 2015. Collection method: clinical testing. Allele origin: unknown.

Leiden Open Variation Database
Classification: Pathogenic for Fanconi anemia complementation group A. Last evaluated: 2020-02-28. Review status: no assertion criteria provided. Collection method: curation. Allele origin: germline. Affected: yes. Not counted in ClinVar's aggregate classification.
Comment: Curator: Arleen D. Auerbach. Submitter to LOVD: Arleen D. Auerbach.

Counsyl
Classification: Pathogenic for Fanconi anemia complementation group A. Last evaluated: 2017-11-10. Review status: no assertion criteria provided. Collection method: clinical testing. Allele origin: unknown. Not counted in ClinVar's aggregate classification.

Literature cited by the submitters: PubMed 11091222 (cited by 4 submitters); PubMed 19367192 (cited by Labcorp Genetics (formerly Invitae), Labcorp).

NM_000135.4(FANCA):c.2172dup (p.Ser725fs)

Gene: FANCA (FA complementation group A; minus strand). Cytogenetic location: 16q24.3.
Variant type: Duplication.
Coding change: c.2172dup on transcript NM_000135.4 (MANE Select); coding-DNA position 2172, one base duplicated (G; older notation c.2172dupG).
Protein change: p.Ser725fs; shifts the reading frame from serine 725.
Molecular consequence: frameshift variant.
Genome position (GRCh38, 1-based): chr16:89,770,614, C duplicated on the plus strand (G on the coding strand, the reverse complement: FANCA is on the minus strand). VCF-style (leftmost placement, unchanged base first): chr16-89770613-A-AC. GRCh37 (hg19) VCF-style: chr16-89837021-A-AC.
Other names: NM_000135.2:c.2172dup; c.2172dup (LRG_495t1); c.2172dupG (NM_000135.2, NM_000135.3); c.2172dup, p.Ser725fs (NM_001286167.3); short protein forms S725fs.
Identifiers: ClinVar variation 554995 (VCV000554995.13), dbSNP rs1555547955, ClinGen allele CA658824827.